The following is an entry in ClinVar:

NM_003001.5(SDHC):c.103A>T (p.Lys35Ter)

Gene: SDHC (succinate dehydrogenase complex subunit C; plus strand). Cytogenetic location: 1q23.3.
Variant type: single nucleotide variant.
Coding change: c.103A>T on transcript NM_003001.5 (MANE Select); coding-DNA position 103, A replaced by T.
Protein change: p.Lys35Ter; replaces lysine 35 with a stop codon.
Molecular consequence: nonsense. On other transcripts: 5 prime UTR variant (2), non-coding transcript variant (1), intron variant (4).
Genome position (GRCh38, 1-based): chr1:161,328,421, A>T. VCF-style: chr1-161328421-A-T. GRCh37 (hg19) VCF-style: chr1-161298211-A-T.
Other names: c.103A>T, p.Lys35Ter (NM_001035511.3, NM_001407115.1); c.46A>T, p.Lys16Ter (NM_001407116.1, NM_001407117.1, NM_001407121.1); c.-9A>T (NM_001407119.1, NM_001407120.1); c.77+4751A>T (NM_001035512.3, NM_001278172.3, NM_001407118.1); c.21-12173A>T (NM_001035513.3); short protein forms K16*, K35*.
Identifiers: ClinVar variation 4844143 (VCV004844143.1).

ClinVar aggregate classification (germline): Pathogenic (1 of 4 stars; one submission).

Conditions:
Hereditary cancer-predisposing syndrome. Also called: Neoplastic Syndromes, Hereditary; Tumor predisposition; Hereditary Cancer Syndrome; Hereditary neoplastic syndrome. Identifiers: Orphanet 140162, MedGen C0027672, MeSH D009386, MONDO:0015356.

Submission:

Ambry Genetics
Classification: Pathogenic for Hereditary cancer-predisposing syndrome. Last evaluated: 2026-01-28. Review status: criteria provided, single submitter. Criteria: Ambry Variant Classification Scheme 2023. Collection method: clinical testing. Allele origin: germline.
Comment: The p.K35* pathogenic mutation (also known as c.103A>T), located in coding exon 3 of the SDHC gene, results from an A to T substitution at nucleotide position 103. This changes the amino acid from a lysine to a stop codon within coding exon 3. This variant is considered to be rare based on population cohorts in the Genome Aggregation Database (gnomAD). This alteration is expected to result in loss of function by premature protein truncation or nonsense-mediated mRNA decay. As such, this alteration is interpreted as a disease-causing mutation.